The following is an entry in ClinVar:

NM_172364.5(CACNA2D4):c.3230A>G (p.Asn1077Ser)

Gene: CACNA2D4 (calcium voltage-gated channel auxiliary subunit alpha2delta 4; minus strand). Cytogenetic location: 12p13.33.
Variant type: single nucleotide variant.
Coding change: c.3230A>G on transcript NM_172364.5 (MANE Select); coding-DNA position 3230, A replaced by G.
Protein change: p.Asn1077Ser; replaces asparagine 1077 with serine.
Molecular consequence: missense variant.
Genome position (GRCh38, 1-based): chr12:1,795,378, T>C on the plus strand (A>G on the coding strand, the complement: CACNA2D4 is on the minus strand). VCF-style: chr12-1795378-T-C. GRCh37 (hg19) VCF-style: chr12-1904544-T-C.
Other names: short protein forms N1077S.
Identifiers: ClinVar variation 1898537 (VCV001898537.5), dbSNP rs1863085798, ClinGen allele CA383348138.

ClinVar aggregate classification (germline): Uncertain significance (1 of 4 stars; one submission).

Allele frequency attached by ClinVar (database versions not stated): gnomAD exomes below 0.00001; TOPMed below 0.00001; gnomAD 0.00001.
gnomAD v4.1: 6 of 1,610,224 alleles (0.00037%); highest among the groups gnomAD compares: Non-Finnish European, 0.00051%; no homozygotes.

Submission:

Labcorp Genetics (formerly Invitae), Labcorp
Classification: Uncertain significance. Last evaluated: 2021-12-21. Review status: criteria provided, single submitter. Criteria: Invitae Variant Classification Sherloc (09022015). Collection method: clinical testing. Allele origin: germline.
Comment: In summary, the available evidence is currently insufficient to determine the role of this variant in disease. Therefore, it has been classified as a Variant of Uncertain Significance. Algorithms developed to predict the effect of sequence changes on RNA splicing suggest that this variant may create or strengthen a splice site. Algorithms developed to predict the effect of missense changes on protein structure and function are either unavailable or do not agree on the potential impact of this missense change (SIFT: "Deleterious"; PolyPhen-2: "Benign"; Align-GVGD: "Class C0"). This variant has not been reported in the literature in individuals affected with CACNA2D4-related conditions. This variant is not present in population databases (gnomAD no frequency). This sequence change replaces asparagine, which is neutral and polar, with serine, which is neutral and polar, at codon 1077 of the CACNA2D4 protein (p.Asn1077Ser).